The following is an entry in ClinVar:

NM_020999.4(NEUROG3):c.164G>C (p.Arg55Pro)

Gene: NEUROG3 (neurogenin 3; minus strand). Cytogenetic location: 10q22.1.
Variant type: single nucleotide variant.
Coding change: c.164G>C on transcript NM_020999.4 (MANE Select); coding-DNA position 164, G replaced by C.
Protein change: p.Arg55Pro; replaces arginine 55 with proline.
Molecular consequence: missense variant.
Genome position (GRCh38, 1-based): chr10:69,572,880, C>G on the plus strand (G>C on the coding strand, the complement: NEUROG3 is on the minus strand). VCF-style: chr10-69572880-C-G. GRCh37 (hg19) VCF-style: chr10-71332636-C-G.
Other names: c.164G>C (NM_020999.3); short protein forms R55P.
Identifiers: ClinVar variation 2052920 (VCV002052920.5), dbSNP rs753863436, ClinGen allele CA376922782.

ClinVar aggregate classification (germline): Uncertain significance. Review status: criteria provided, multiple submitters, no conflicts (2 of 4 stars). 2 submissions from 2 submitters: Uncertain significance (2). Last evaluated 2024-06-26.

Conditions:
Inborn genetic diseases. Identifiers: MedGen C0950123, MeSH D030342.

Allele frequency attached by ClinVar (database versions not stated): gnomAD 0.00001; TOPMed 0.00001.

Submissions (2):

Ambry Genetics
Classification: Uncertain significance for Inborn genetic diseases. Last evaluated: 2024-06-26. Review status: criteria provided, single submitter. Criteria: Ambry Variant Classification Scheme 2023. Collection method: clinical testing. Allele origin: germline.

Labcorp Genetics (formerly Invitae), Labcorp
Classification: Uncertain significance. Last evaluated: 2023-12-11. Review status: criteria provided, single submitter. Criteria: Invitae Variant Classification Sherloc (09022015). Collection method: clinical testing. Allele origin: germline.
Comment: This sequence change replaces arginine, which is basic and polar, with proline, which is neutral and non-polar, at codon 55 of the NEUROG3 protein (p.Arg55Pro). This variant is present in population databases (no rsID available, gnomAD 0.01%). This variant has not been reported in the literature in individuals affected with NEUROG3-related conditions. ClinVar contains an entry for this variant (Variation ID: 2052920). An algorithm developed to predict the effect of missense changes on protein structure and function (PolyPhen-2) suggests that this variant is likely to be tolerated. In summary, the available evidence is currently insufficient to determine the role of this variant in disease. Therefore, it has been classified as a Variant of Uncertain Significance.